The following is an entry in ClinVar:

ClinVar aggregate classification (germline): Uncertain significance (1 of 4 stars; one submission).

Conditions:
Colorectal cancer, hereditary nonpolyposis, type 7. Identifiers: Orphanet 144, MedGen C1858380, MONDO:0013725, OMIM 614385.

Submission:

Labcorp Genetics (formerly Invitae), Labcorp
Classification: Uncertain significance for Colorectal cancer, hereditary nonpolyposis, type 7. Last evaluated: 2024-06-10. Review status: criteria provided, single submitter. Criteria: Invitae Variant Classification Sherloc (09022015). Collection method: clinical testing. Allele origin: germline.
Comment: This sequence change replaces methionine, which is neutral and non-polar, with isoleucine, which is neutral and non-polar, at codon 1425 of the MLH3 protein (p.Met1425Ile). This variant is not present in population databases (gnomAD no frequency). This variant has not been reported in the literature in individuals affected with MLH3-related conditions. An algorithm developed to predict the effect of missense changes on protein structure and function (PolyPhen-2) suggests that this variant is likely to be disruptive. In summary, the available evidence is currently insufficient to determine the role of this variant in disease. Therefore, it has been classified as a Variant of Uncertain Significance.

NM_001040108.2(MLH3):c.4275G>C (p.Met1425Ile)

Gene: MLH3 (mutL homolog 3; minus strand). Cytogenetic location: 14q24.3.
Variant type: single nucleotide variant.
Coding change: c.4275G>C on transcript NM_001040108.2 (MANE Select); coding-DNA position 4275, G replaced by C.
Protein change: p.Met1425Ile; replaces methionine 1425 with isoleucine.
Molecular consequence: missense variant.
Genome position (GRCh38, 1-based): chr14:75,017,169, C>G on the plus strand (G>C on the coding strand, the complement: MLH3 is on the minus strand). VCF-style: chr14-75017169-C-G. GRCh37 (hg19) VCF-style: chr14-75483872-C-G.
Other names: c.4203G>C, p.Met1401Ile (NM_014381.3); short protein forms M1401I, M1425I.
Identifiers: ClinVar variation 2703126 (VCV002703126.3), dbSNP rs1195142665, ClinGen allele CA390418075.